The following is an entry in ClinVar:

NM_016642.4(SPTBN5):c.1285C>T (p.Arg429Trp)

Gene: SPTBN5 (spectrin beta, non-erythrocytic 5; minus strand). Cytogenetic location: 15q15.1.
Variant type: single nucleotide variant.
Coding change: c.1285C>T on transcript NM_016642.4 (MANE Select); coding-DNA position 1285, C replaced by T.
Protein change: p.Arg429Trp; replaces arginine 429 with tryptophan.
Molecular consequence: missense variant.
Genome position (GRCh38, 1-based): chr15:41,885,970, G>A on the plus strand (C>T on the coding strand, the complement: SPTBN5 is on the minus strand). VCF-style: chr15-41885970-G-A. GRCh37 (hg19) VCF-style: chr15-42178168-G-A.
Other names: short protein forms R429W.
Identifiers: ClinVar variation 3169643 (VCV003169643.2), dbSNP rs370725104, ClinGen allele CA7504200.

ClinVar aggregate classification (germline): Uncertain significance (1 of 4 stars; one submission).

Allele frequency attached by ClinVar (database versions not stated): gnomAD exomes 0.00003; TOPMed 0.00004; ESP Exome Variant Server 0.00008; ExAC 0.00012; gnomAD 0.00007.
gnomAD v4.1: 60 of 1,549,226 alleles (0.0039%); highest among the groups gnomAD compares: Admixed American, 0.034%; 1 homozygote.

Submission:

Ambry Genetics
Classification: Uncertain significance. Last evaluated: 2026-06-24. Review status: criteria provided, single submitter. Criteria: Ambry Variant Classification Scheme 2023. Collection method: clinical testing. Allele origin: germline.
Comment: The c.1180C>T (p.R394W) alteration is located in exon 7 (coding exon 6) of the SPTBN5 gene. This alteration results from a C to T substitution at nucleotide position 1180, causing the arginine (R) at amino acid position 394 to be replaced by a tryptophan (W). Based on data from gnomAD, the T allele has an overall frequency of 0.008% (16/201928) total alleles studied. The highest observed frequency was 0.029% (7/24368) of Latino alleles. Based on insufficient or conflicting evidence, the clinical significance of this alteration remains unclear.